The following is an entry in ClinVar:

ClinVar aggregate classification (germline): Uncertain significance (1 of 4 stars; one submission).

Submission:

Labcorp Genetics (formerly Invitae), Labcorp
Classification: Uncertain significance. Last evaluated: 2022-06-18. Review status: criteria provided, single submitter. Criteria: Invitae Variant Classification Sherloc (09022015). Collection method: clinical testing. Allele origin: germline.
Comment: This sequence change replaces glycine, which is neutral and non-polar, with glutamic acid, which is acidic and polar, at codon 179 of the RAB28 protein (p.Gly179Glu). This variant is not present in population databases (gnomAD no frequency). This variant has not been reported in the literature in individuals affected with RAB28-related conditions. Algorithms developed to predict the effect of missense changes on protein structure and function are either unavailable or do not agree on the potential impact of this missense change (SIFT: "Deleterious"; PolyPhen-2: "Possibly Damaging"; Align-GVGD: "Class C0"). In summary, the available evidence is currently insufficient to determine the role of this variant in disease. Therefore, it has been classified as a Variant of Uncertain Significance.

NM_001017979.3(RAB28):c.536G>A (p.Gly179Glu)

Gene: RAB28 (RAB28, member RAS oncogene family; minus strand). Cytogenetic location: 4p15.33.
Variant type: single nucleotide variant.
Coding change: c.536G>A on transcript NM_001017979.3 (MANE Select); coding-DNA position 536, G replaced by A.
Protein change: p.Gly179Glu; replaces glycine 179 with glutamic acid.
Molecular consequence: missense variant.
Genome position (GRCh38, 1-based): chr4:13,376,582, C>T on the plus strand (G>A on the coding strand, the complement: RAB28 is on the minus strand). VCF-style: chr4-13376582-C-T. GRCh37 (hg19) VCF-style: chr4-13378206-C-T.
Other names: c.536G>A, p.Gly179Glu (NM_001159601.2, NM_004249.4); short protein forms G179E.
Identifiers: ClinVar variation 2007958 (VCV002007958.4), dbSNP rs2474584524, ClinGen allele CA356404707.
Genomic context (GRCh38, chr4:13,376,582, plus strand): 5'-AATATAAAGTTCAAGGTAATCACCTGTGACTGTTCTATTTCTGCTTTGTTTAATTTGATC[C>T]CAAGGATTTCAGCAGCAACTTTCTGAAAGCACAGGAAGACCTACATAACAAAAATGGGTT-3'
Protein context (NP_001017979.1, residues 169-189): CFQKVAAEIL[Gly179Glu]IKLNKAEIEQ